The following is an entry in ClinVar:

ClinVar aggregate classification (germline): Pathogenic. Review status: reviewed by expert panel (3 of 4 stars). 9 submissions from 9 submitters: Pathogenic (1). 8 of the submissions do not count toward it. Last evaluated 2026-01-25.

Conditions:
RPGR-related retinopathy. Also called: RPGR retinopathy. Identifiers: MedGen CN305589, MONDO:0100437.
Retinal dystrophy. Also called: Inherited retinal dystrophy. Identifiers: Orphanet 71862, MedGen C0854723, MeSH D058499, MONDO:0019118, HP:0000556.
Primary ciliary dyskinesia. Also called: Ciliary dyskinesia. Identifiers: Orphanet 244, MedGen C0008780, MONDO:0016575, HP:0012265.
Retinitis pigmentosa 3. Also called: CHOROIDORETINAL DEGENERATION WITH RETINAL REFLEX IN HETEROZYGOUS WOMEN. Identifiers: Orphanet 791, MedGen C1845667, MONDO:0010227, OMIM 300029.
RPGR-related disorder. Also called: RPGR-related condition.
Retinitis pigmentosa (RP). Identifiers: Orphanet 791, MedGen C0035334, MeSH D012174, MONDO:0019200, OMIM 268000. Inheritance: Autosomal dominant, autosomal recessive and X linked inheritance.

Submissions (9):

ClinGen X-linked Inherited Retinal Disease Variant Curation Expert Panel, ClinGen
Classification: Pathogenic for RPGR-related retinopathy. Last evaluated: 2026-01-25. Review status: reviewed by expert panel. Criteria: ClinGen X LinkedIRD ACMG Specifications RPGR V1.0.0. Collection method: curation. Allele origin: germline. Inheritance: X-linked inheritance.
Comment: NM_001034853.2(RPGR):c.1217dup (p.Ser407IlefsTer?) is a frameshift variant due to the duplication of one nucleotide that introduces a premature stop codon in exon 10 of 15 and is predicted to trigger nonsense-mediated decay (PVS1). This variant is absent from hemizygous individuals in gnomAD v4.1.0 (PM2_Supporting). At least one proband harboring this variant exhibits a phenotype including childhood onset (1 pt), reduced visual acuity (0.5 pts), visual field constriction (0.5 pts), and genetic testing with a next-generation sequencing panel of more than 100 genes that did not identify an alternative basis for disease, which together are specific for RPGR-related retinopathy (4 points, PMID: 28863407, PMID: 32531858, PP4). In summary, this variant is classified as pathogenic for RPGR-related retinopathy based on the ClinGen X-linked Inherited Retinal Disease Expert Panel Specifications to the ACMG/AMP Variant Interpretation Guidelines for RPGR Version 1.0.0; PVS1, PM2_Supporting, and PP4.

Institute of Medical Genetics and Applied Genomics, University Hospital Tübingen
Classification: Pathogenic for Retinitis pigmentosa 3. Last evaluated: 2026-03-11. Review status: criteria provided, single submitter. Criteria: ACMG Guidelines, 2015. Collection method: clinical testing. Allele origin: germline. Inheritance: X-linked recessive inheritance. Affected: yes. Not counted in ClinVar's aggregate classification.

Labcorp Genetics (formerly Invitae), Labcorp
Classification: Pathogenic for Primary ciliary dyskinesia. Last evaluated: 2025-09-06. Review status: criteria provided, single submitter. Criteria: Invitae Variant Classification Sherloc (09022015). Collection method: clinical testing. Allele origin: germline. Not counted in ClinVar's aggregate classification.
Comment: This sequence change creates a premature translational stop signal (p.Ser407Ilefs*46) in the RPGR gene. It is expected to result in an absent or disrupted protein product. Loss-of-function variants in RPGR are known to be pathogenic (PMID: 16055928, 16969763). This variant is not present in population databases (gnomAD no frequency). This variant has not been reported in the literature in individuals affected with RPGR-related conditions. ClinVar contains an entry for this variant (Variation ID: 813223). For these reasons, this variant has been classified as Pathogenic.

Blueprint Genetics
Classification: Pathogenic for RPGR-related disorders. Last evaluated: 2024-07-23. Review status: criteria provided, single submitter. Criteria: ACMG Guidelines, 2015. Collection method: clinical testing. Allele origin: germline. Affected: yes. Observed: 4 variant alleles. Not counted in ClinVar's aggregate classification.

GeneDx
Classification: Pathogenic. Last evaluated: 2023-06-13. Review status: criteria provided, single submitter. Criteria: GeneDx Variant Classification Process June 2021. Collection method: clinical testing. Allele origin: germline. Affected: yes. Not counted in ClinVar's aggregate classification.
Comment: Frameshift variant predicted to result in protein truncation or nonsense mediated decay in a gene for which loss-of-function is a known mechanism of disease; Not observed in large population cohorts (gnomAD); This variant is associated with the following publications: (PMID: 28863407)

PreventionGenetics, part of Exact Sciences
Classification: Pathogenic. Last evaluated: 2021-10-13. Review status: criteria provided, single submitter. Criteria: ACMG Guidelines, 2015. Collection method: clinical testing. Allele origin: germline. Not counted in ClinVar's aggregate classification.

Molecular Genetics Laboratory, Institute for Ophthalmic Research
Classification: Pathogenic for Retinitis pigmentosa. Last evaluated: 2020-01-09. Review status: criteria provided, single submitter. Criteria: ACMG Guidelines, 2015. Collection method: research. Allele origin: germline. Affected: yes. Not counted in ClinVar's aggregate classification.

CeGaT Center for Human Genetics Tuebingen
Classification: Pathogenic. Last evaluated: 2018-06-01. Review status: criteria provided, single submitter. Criteria: CeGaT Center For Human Genetics Tuebingen Variant Classification Criteria Version 2. Collection method: clinical testing. Allele origin: germline. Affected: yes. Observed: 1 variant allele. Not counted in ClinVar's aggregate classification.

Institute of Human Genetics, Univ. Regensburg, Univ. Regensburg
Classification: Pathogenic for Retinal dystrophy. Last evaluated: 2022-01-01. Review status: no assertion criteria provided. Criteria: ACMG Guidelines, 2015. Collection method: clinical testing. Allele origin: germline. Affected: yes. Not counted in ClinVar's aggregate classification.

Literature cited by the submitters: PubMed 16055928 (cited by Labcorp Genetics (formerly Invitae), Labcorp); PubMed 16969763 (cited by Labcorp Genetics (formerly Invitae), Labcorp).

NM_001034853.2(RPGR):c.1217dup (p.Ser407fs)

Gene: RPGR (retinitis pigmentosa GTPase regulator; minus strand). Cytogenetic location: Xp11.4.
Variant type: Duplication.
Coding change: c.1217dup on transcript NM_001034853.2 (MANE Select); coding-DNA position 1217, one base duplicated (T; older notation c.1217dupT).
Protein change: p.Ser407fs; shifts the reading frame from serine 407.
Molecular consequence: frameshift variant. On other transcripts: non-coding transcript variant (6), intron variant (2).
Genome position (GRCh38, 1-based): chrX:38,298,984, A duplicated on the plus strand (T on the coding strand, the reverse complement: RPGR is on the minus strand). VCF-style (leftmost placement, unchanged base first): chrX-38298983-T-TA. GRCh37 (hg19) VCF-style: chrX-38158236-T-TA.
Other names: NM_001034853.2(RPGR):c.1217dup; p.Ser407fs; c.1217dupT (NM_001034853.1); c.1217dup, p.Ser407fs (NM_000328.3, NM_001367247.1); c.1214dup, p.Ser406fs (NM_001367245.1, NM_001367249.1, NM_001367250.1); c.1247dup, p.Ser417fs (NM_001367248.1); c.1060-1532dup (NM_001367251.1, NM_001367246.1); short protein forms S406fs, S407fs, S417fs.
Identifiers: ClinVar variation 813223 (VCV000813223.51), dbSNP rs1601943325, ClinGen allele CA915951018.
Genomic context (GRCh38, chrX:38,298,983, plus strand): 5'-AATACTATTATACAGAATAGGCCACAATTGTACCCTCTCTCTTCGCCGCATACGTGCTGA[T>TA]AGAGTCCTCTGCAGTACATTTCCTGAGGTTAAACTGCTATACGGCAGAAAAGTCGCCACA-3'